The following is an entry in ClinVar:

NM_002834.5(PTPN11):c.1715T>C (p.Met572Thr)

Gene: PTPN11 (protein tyrosine phosphatase non-receptor type 11; plus strand). Cytogenetic location: 12q24.13.
Variant type: single nucleotide variant.
Coding change: c.1715T>C on transcript NM_002834.5 (MANE Select); coding-DNA position 1715, T replaced by C.
Protein change: p.Met572Thr; replaces methionine 572 with threonine.
Molecular consequence: missense variant.
Genome position (GRCh38, 1-based): chr12:112,504,697, T>C. VCF-style: chr12-112504697-T-C. GRCh37 (hg19) VCF-style: chr12-112942501-T-C.
Other names: c.1727T>C, p.Met576Thr (NM_001330437.2); c.1712T>C, p.Met571Thr (NM_001374625.1); short protein forms M576T, M572T, M571T.
Identifiers: ClinVar variation 849717 (VCV000849717.14), dbSNP rs1415602777, ClinGen allele CA386784141.

ClinVar aggregate classification (germline): Uncertain significance. Review status: criteria provided, multiple submitters, no conflicts (2 of 4 stars). 4 submissions from 4 submitters: Uncertain significance (4). Last evaluated 2025-10-26.

Conditions:
Juvenile myelomonocytic leukemia (JMML). Also called: LEUKEMIA, JUVENILE MYELOMONOCYTIC, SOMATIC. Identifiers: Orphanet 86834, MedGen C0349639, MONDO:0011908, OMIM 607785, HP:0012209.
LEOPARD syndrome 1 (LPRD1). Also called: LENTIGINOSIS, CARDIOMYOPATHIC; MULTIPLE LENTIGINES SYNDROME; PTPN11-Related LEOPARD Syndrome. Identifiers: Orphanet 500, MedGen C4551484, MONDO:0100082, OMIM 151100.
Metachondromatosis (METCDS). Identifiers: Orphanet 2499, MedGen C0410530, MONDO:0007979, OMIM 156250.
Noonan syndrome 1 (NS1). Also called: PTPN11-Related Noonan Syndrome; FEMALE PSEUDO-TURNER SYNDROME; TURNER PHENOTYPE WITH NORMAL KARYOTYPE. Identifiers: Orphanet 648, MedGen C4551602, MONDO:0008104, OMIM 163950. Disease mechanism: gain of function.
RASopathy. Also called: rasopathies; Noonan spectrum disorder. Identifiers: Orphanet 536391, MedGen C5555857, MONDO:0021060.
Cardiovascular phenotype. Identifiers: MedGen CN230736.

Allele frequency attached by ClinVar (database versions not stated): gnomAD 0.00001; TOPMed 0.00003.
gnomAD v4.1: 2 of 1,570,038 alleles (0.00013%); highest among the groups gnomAD compares: Admixed American, 0.0017%; no homozygotes.

Submissions (4):

Labcorp Genetics (formerly Invitae), Labcorp
Classification: Uncertain significance for RASopathy. Last evaluated: 2025-10-26. Review status: criteria provided, single submitter. Criteria: Invitae Variant Classification Sherloc (09022015). Collection method: clinical testing. Allele origin: germline.
Comment: This sequence change replaces methionine, which is neutral and non-polar, with threonine, which is neutral and polar, at codon 572 of the PTPN11 protein (p.Met572Thr). This variant is not present in population databases (gnomAD no frequency). This variant has not been reported in the literature in individuals affected with PTPN11-related conditions. ClinVar contains an entry for this variant (Variation ID: 849717). Invitae Evidence Modeling of protein sequence and biophysical properties (such as structural, functional, and spatial information, amino acid conservation, physicochemical variation, residue mobility, and thermodynamic stability) indicates that this missense variant is not expected to disrupt PTPN11 protein function with a negative predictive value of 80%. In summary, the available evidence is currently insufficient to determine the role of this variant in disease. Therefore, it has been classified as a Variant of Uncertain Significance.

Ambry Genetics
Classification: Uncertain significance for Cardiovascular phenotype. Last evaluated: 2025-01-09. Review status: criteria provided, single submitter. Criteria: Ambry Variant Classification Scheme 2023. Collection method: clinical testing. Allele origin: germline.
Comment: The p.M572T variant (also known as c.1715T>C), located in coding exon 15 of the PTPN11 gene, results from a T to C substitution at nucleotide position 1715. The methionine at codon 572 is replaced by threonine, an amino acid with similar properties. This amino acid position is conserved. In addition, this alteration is predicted to be tolerated by in silico analysis. Based on the available evidence, the clinical significance of this variant remains unclear.

Fulgent Genetics
Classification: Uncertain significance for LEOPARD syndrome 1; Metachondromatosis; Noonan syndrome 1; Juvenile myelomonocytic leukemia. Last evaluated: 2024-05-22. Review status: criteria provided, single submitter. Criteria: ACMG Guidelines, 2015. Collection method: clinical testing. Allele origin: germline.

New York Genome Center
Classification: Uncertain significance for RASopathy. Last evaluated: 2020-02-11. Review status: criteria provided, single submitter. Criteria: NYGC Assertion Criteria 2020. Collection method: clinical testing. Allele origin: inherited. Observed: 1 heterozygote. Study: CSER-NYCKidSeq.